The following is an entry in ClinVar:

NM_053025.4(MYLK):c.3749G>A (p.Arg1250His)

Gene: MYLK (myosin light chain kinase; minus strand). Cytogenetic location: 3q21.1.
Variant type: single nucleotide variant.
Coding change: c.3749G>A on transcript NM_053025.4 (MANE Select); coding-DNA position 3749, G replaced by A.
Protein change: p.Arg1250His; replaces arginine 1250 with histidine.
Molecular consequence: missense variant.
Genome position (GRCh38, 1-based): chr3:123,666,301, C>T on the plus strand (G>A on the coding strand, the complement: MYLK is on the minus strand). VCF-style: chr3-123666301-C-T. GRCh37 (hg19) VCF-style: chr3-123385148-C-T.
Other names: c.3221G>A, p.Arg1074His (NM_001321309.2); c.3542G>A, p.Arg1181His (NM_053026.4, NM_053028.4); c.3749G>A, p.Arg1250His (NM_053027.4); short protein forms R1250H, R1074H, R1181H.
Identifiers: ClinVar variation 252772 (VCV000252772.38), dbSNP rs139817477, ClinGen allele CA070149.

ClinVar aggregate classification (germline): Conflicting classifications of pathogenicity. Review status: criteria provided, conflicting classifications (1 of 4 stars). 11 submissions from 11 submitters: Uncertain significance (10); Likely benign (1). Last evaluated 2026-06-15.

Conditions:
Aortic aneurysm, familial thoracic 7 (AAT7). Also called: AORTIC DISSECTION, FAMILIAL, WITH OR WITHOUT AORTIC ANEURYSM. Identifiers: MedGen C3151077, MONDO:0013418, OMIM 613780.
Megacystis-microcolon-intestinal hypoperistalsis syndrome 1. Identifiers: MedGen C5542316, MONDO:0100354, OMIM 249210.
Familial thoracic aortic aneurysm and aortic dissection (TAAD). Also called: Thoracic aortic aneurysms and dissections. Identifiers: Orphanet 91387, MedGen C4707243, MONDO:0019625.

Allele frequency attached by ClinVar (database versions not stated): ExAC 0.00005; gnomAD 0.00009; TOPMed 0.00009; gnomAD exomes 0.00011 and 0.00006; ESP Exome Variant Server 0.00038.
gnomAD v4.1: 173 of 1,614,106 alleles (0.011%); highest among the groups gnomAD compares: Non-Finnish European, 0.014%; no homozygotes.

Submissions (11):

Ambry Genetics
Classification: Uncertain significance for Familial thoracic aortic aneurysm and aortic dissection. Last evaluated: 2026-06-15. Review status: criteria provided, single submitter. Criteria: Ambry Variant Classification Scheme 2023. Collection method: clinical testing. Allele origin: germline.

Women's Health and Genetics/Laboratory Corporation of America, LabCorp
Classification: Uncertain significance. Last evaluated: 2025-09-25. Review status: criteria provided, single submitter. Criteria: LabCorp Variant Classification Summary - May 2015. Collection method: clinical testing. Allele origin: germline.
Comment: Variant summary: MYLK c.3749G>A (p.Arg1250His) results in a non-conservative amino acid change in the encoded protein sequence. Algorithms developed to predict the effect of missense changes on protein structure and function are either unavailable or do not agree on the potential impact of this missense change. The variant allele was found at a frequency of 6e-05 in 251446 control chromosomes. The observed variant frequency exceeds the estimated maximal expected allele frequency for disease-causing variants in MYLK. c.3749G>A has been observed in an individua affected with thoracic aortic aneurysm/aortic dissection (Weerakkody_2018) and in an individual with sudden unexplained death (Neubauer_2018, Neubauer_2021). These report(s) do not provide unequivocal conclusions about association of the variant with Aortopathy. To our knowledge, no experimental evidence demonstrating an impact on protein function has been reported. The following publications have been ascertained in the context of this evaluation (PMID: 29543232, 29350269, 33895855). ClinVar contains an entry for this variant (Variation ID: 252772). Based on the evidence outlined above, the variant was classified as VUS-possibly benign.

GeneDx
Classification: Uncertain significance. Last evaluated: 2025-09-15. Review status: criteria provided, single submitter. Criteria: GeneDx Variant Classification Process June 2021. Collection method: clinical testing. Allele origin: germline. Affected: yes.
Comment: Identified in two unrelated patients with an aortic aneurysm in the published literature, although familial segregation information was not included (PMID: 29543232); In silico analysis supports that this missense variant has a deleterious effect on protein structure/function; This variant is associated with the following publications: (PMID: 33895855, 29543232, 29350269)

Blueprint Genetics
Classification: Likely benign. Last evaluated: 2024-10-31. Review status: criteria provided, single submitter. Criteria: ACMG Guidelines, 2015. Collection method: clinical testing. Allele origin: germline.

Labcorp Genetics (formerly Invitae), Labcorp
Classification: Uncertain significance for Aortic aneurysm, familial thoracic 7. Last evaluated: 2023-11-19. Review status: criteria provided, single submitter. Criteria: Invitae Variant Classification Sherloc (09022015). Collection method: clinical testing. Allele origin: germline.
Comment: This sequence change replaces arginine, which is basic and polar, with histidine, which is basic and polar, at codon 1250 of the MYLK protein (p.Arg1250His). This variant is present in population databases (rs139817477, gnomAD 0.01%). This missense change has been observed in individual(s) with thoracic aortic aneurysm or dissection (PMID: 29543232; Invitae). ClinVar contains an entry for this variant (Variation ID: 252772). Advanced modeling of protein sequence and biophysical properties (such as structural, functional, and spatial information, amino acid conservation, physicochemical variation, residue mobility, and thermodynamic stability) performed at Invitae indicates that this missense variant is not expected to disrupt MYLK protein function with a negative predictive value of 80%. In summary, the available evidence is currently insufficient to determine the role of this variant in disease. Therefore, it has been classified as a Variant of Uncertain Significance.

CHEO Genetics Diagnostic Laboratory, Children's Hospital of Eastern Ontario
Classification: Uncertain significance for Familial thoracic aortic aneurysm and aortic dissection. Last evaluated: 2022-11-18. Review status: criteria provided, single submitter. Criteria: ACMG Guidelines, 2015. Collection method: clinical testing. Allele origin: germline.

Fulgent Genetics
Classification: Uncertain significance for Megacystis-microcolon-intestinal hypoperistalsis syndrome 1; Aortic aneurysm, familial thoracic 7. Last evaluated: 2021-10-08. Review status: criteria provided, single submitter. Criteria: ACMG Guidelines, 2015. Collection method: clinical testing. Allele origin: unknown.

Illumina Laboratory Services, Illumina
Classification: Uncertain significance for Aortic aneurysm, familial thoracic 7. Last evaluated: 2018-01-13. Review status: criteria provided, single submitter. Criteria: ICSL Variant Classification Criteria 13 December 2019. Collection method: clinical testing. Allele origin: germline.

ARUP Laboratories, Molecular Genetics and Genomics, ARUP Laboratories
Classification: Uncertain significance. Last evaluated: 2017-03-15. Review status: criteria provided, single submitter. Criteria: ARUP Molecular Germline Variant Investigation Process. Collection method: clinical testing. Allele origin: germline.

Genomic Diagnostic Laboratory, Division of Genomic Diagnostics, Children's Hospital of Philadelphia
Classification: Uncertain significance for Familial thoracic aortic aneurysm and aortic dissection. Last evaluated: 2015-10-30. Review status: criteria provided, single submitter. Criteria: DGD Variant Analysis Guidelines. Collection method: clinical testing. Allele origin: unknown.

Breakthrough Genomics
Classification: Uncertain significance. Review status: criteria provided, single submitter. Criteria: ACMG Guidelines, 2015. Collection method: not provided. Allele origin: germline. Inheritance: Autosomal recessive inheritance. Affected: yes.

Literature cited by the submitters: PubMed 29543232 (cited by Women's Health and Genetics/Laboratory Corporation of America, LabCorp and Labcorp Genetics (formerly Invitae), Labcorp); PubMed 29350269 (cited by Women's Health and Genetics/Laboratory Corporation of America, LabCorp); PubMed 33895855 (cited by Women's Health and Genetics/Laboratory Corporation of America, LabCorp).